The following is an entry in ClinVar:

NM_000264.5(PTCH1):c.2899G>T (p.Glu967Ter)

Gene: PTCH1 (patched 1; minus strand). Cytogenetic location: 9q22.32.
Variant type: single nucleotide variant.
Coding change: c.2899G>T on transcript NM_000264.5 (MANE Select); coding-DNA position 2899, G replaced by T.
Protein change: p.Glu967Ter; replaces glutamic acid 967 with a stop codon.
Molecular consequence: nonsense. On other transcripts: non-coding transcript variant (1).
Genome position (GRCh38, 1-based): chr9:95,458,282, C>A on the plus strand (G>T on the coding strand, the complement: PTCH1 is on the minus strand). VCF-style: chr9-95458282-C-A. GRCh37 (hg19) VCF-style: chr9-98220564-C-A.
Other names: c.2701G>T, p.Glu901Ter (NM_001083602.3); c.2896G>T, p.Glu966Ter (NM_001083603.3); c.2446G>T, p.Glu816Ter (NM_001083604.3, NM_001083605.3, NM_001083606.3 and 1 more transcripts); c.2743G>T, p.Glu915Ter (NM_001354918.2); short protein forms E901*, E967*, E966*, E816*, E915*.
Identifiers: ClinVar variation 280802 (VCV000280802.2), dbSNP rs886041943, ClinGen allele CA10603213.

ClinVar aggregate classification (germline): Pathogenic (1 of 4 stars; one submission).

Submission:

GeneDx
Classification: Pathogenic. Last evaluated: 2016-08-26. Review status: criteria provided, single submitter. Criteria: GeneDx Variant Classification (06012015). Collection method: clinical testing. Allele origin: germline. Affected: yes.
Comment: The E967X variant in the PTCH1 gene has not been reported previously as a pathogenic variant nor as a benign variant, to our knowledge. This variant is predicted to cause loss of normal protein function either through protein truncation or nonsense-mediated mRNA decay. The E967X variant was not observed in approximately 6,500 individuals of European and African American ancestry in the NHLBI Exome Sequencing Project, indicating it is not a common benign variant in these populations. Based on currently available evidence, we interpret E967X as a pathogenic variant.